The following is an entry in ClinVar:

NM_012470.4(TNPO3):c.1711_1712delinsT (p.Arg571fs)

Gene: TNPO3 (transportin 3; minus strand). Cytogenetic location: 7q32.1.
Variant type: Indel.
Coding change: c.1711_1712delinsT on transcript NM_012470.4 (MANE Select); coding-DNA positions 1711 to 1712, CG replaced by T.
Protein change: p.Arg571fs; shifts the reading frame from arginine 571.
Molecular consequence: frameshift variant. On other transcripts: non-coding transcript variant (18).
Genome position (GRCh38, 1-based): chr7:128,984,238-128,984,239, CG replaced by A on the plus strand (CG replaced by T on the coding strand, the reverse complement: TNPO3 is on the minus strand). VCF-style: chr7-128984238-CG-A. GRCh37 (hg19) VCF-style: chr7-128624292-CG-A.
Other names: c.1519_1520delinsT, p.Arg507fs (NM_001191028.3, NM_001382223.1); c.1813_1814delinsT, p.Arg605fs (NM_001382216.1); c.1792_1793delinsT, p.Arg598fs (NM_001382217.1); c.1711_1712delinsT, p.Arg571fs (NM_001382218.1, NM_001382220.1); c.1603_1604delinsT, p.Arg535fs (NM_001382219.1); c.1567_1568delinsT, p.Arg523fs (NM_001382221.1); c.1564_1565delinsT, p.Arg522fs (NM_001382222.1); short protein forms R507fs, R522fs, R523fs, R535fs, R571fs, R598fs, R605fs.
Identifiers: ClinVar variation 4540243 (VCV004540243.1).

ClinVar aggregate classification (germline): Uncertain significance (1 of 4 stars; one submission).

Submission:

GeneDx
Classification: Uncertain significance. Last evaluated: 2025-06-23. Review status: criteria provided, single submitter. Criteria: GeneDx Variant Classification Process June 2021. Collection method: clinical testing. Allele origin: germline. Affected: yes.
Comment: Frameshift variant predicted to result in protein truncation or nonsense mediated decay in a gene or region of a gene for which loss of function is not a well-established mechanism of disease; Not observed at significant frequency in large population cohorts (gnomAD); Has not been previously published as pathogenic or benign to our knowledge